The following is an entry in ClinVar:

NM_015272.5(RPGRIP1L):c.142G>T (p.Glu48Ter)

Gene: RPGRIP1L (RPGRIP1 like; minus strand). Cytogenetic location: 16q12.2.
Variant type: single nucleotide variant.
Coding change: c.142G>T on transcript NM_015272.5 (MANE Select); coding-DNA position 142, G replaced by T.
Protein change: p.Glu48Ter; replaces glutamic acid 48 with a stop codon.
Molecular consequence: nonsense.
Genome position (GRCh38, 1-based): chr16:53,696,239, C>A on the plus strand (G>T on the coding strand, the complement: RPGRIP1L is on the minus strand). VCF-style: chr16-53696239-C-A. GRCh37 (hg19) VCF-style: chr16-53730151-C-A.
Other names: c.142G>T, p.Glu48Ter (NM_001127897.4, NM_001308334.3, NM_001328422.2 and 2 more transcripts); short protein forms E48*.
Identifiers: ClinVar variation 4815829 (VCV004815829.1).

ClinVar aggregate classification (germline): Likely pathogenic (1 of 4 stars; one submission).

Conditions:
Joubert syndrome. Also called: Familial aplasia of the vermis; JOUBERT-BOLTSHAUSER SYNDROME; CEREBELLOPARENCHYMAL DISORDER IV. Identifiers: Orphanet 475, MedGen C5979921, MONDO:0018772.

Submission:

Natera, Inc.
Classification: Likely pathogenic for Joubert syndrome. Last evaluated: 2025-11-10. Review status: criteria provided, single submitter. Criteria: Natera Variant Classification Schema (03/2026). Collection method: clinical testing. Allele origin: germline.
Comment: The c.142G>T variant in RPGRIP1L is a nonsense variant predicted to introduce a stop codon at amino acid 48. This variant is expected to result in nonsense mediated decay, truncation, or a dysfunctional protein product. This variant is rare in the general population with a frequency below the threshold expected for the associated phenotype(s). Given the available evidence, this variant is classified as Likely Pathogenic.